The following is an entry in ClinVar:

ClinVar aggregate classification (germline): Uncertain significance (1 of 4 stars; one submission).

Conditions:
Aortic aneurysm, familial thoracic 7 (AAT7). Also called: AORTIC DISSECTION, FAMILIAL, WITH OR WITHOUT AORTIC ANEURYSM. Identifiers: MedGen C3151077, MONDO:0013418, OMIM 613780.

Submission:

Labcorp Genetics (formerly Invitae), Labcorp
Classification: Uncertain significance for Aortic aneurysm, familial thoracic 7. Last evaluated: 2020-11-11. Review status: criteria provided, single submitter. Criteria: Invitae Variant Classification Sherloc (09022015). Collection method: clinical testing. Allele origin: germline.
Comment: This sequence change replaces lysine with asparagine at codon 196 of the MYLK protein (p.Lys196Asn). The lysine residue is highly conserved and there is a moderate physicochemical difference between lysine and asparagine. This variant is not present in population databases (ExAC no frequency). This variant has not been reported in the literature in individuals with MYLK-related conditions. Algorithms developed to predict the effect of missense changes on protein structure and function are either unavailable or do not agree on the potential impact of this missense change (SIFT: "Deleterious"; PolyPhen-2: "Benign"; Align-GVGD: "Class C65"). Algorithms developed to predict the effect of sequence changes on RNA splicing suggest that this variant may disrupt the consensus splice site, but this prediction has not been confirmed by published transcriptional studies. In summary, the available evidence is currently insufficient to determine the role of this variant in disease. Therefore, it has been classified as a Variant of Uncertain Significance.

NM_053025.4(MYLK):c.588G>C (p.Lys196Asn)

Gene: MYLK (myosin light chain kinase; minus strand). Cytogenetic location: 3q21.1.
Variant type: single nucleotide variant.
Coding change: c.588G>C on transcript NM_053025.4 (MANE Select); coding-DNA position 588, G replaced by C.
Protein change: p.Lys196Asn; replaces lysine 196 with asparagine.
Molecular consequence: missense variant.
Genome position (GRCh38, 1-based): chr3:123,738,897, C>G on the plus strand (G>C on the coding strand, the complement: MYLK is on the minus strand). VCF-style: chr3-123738897-C-G. GRCh37 (hg19) VCF-style: chr3-123457744-C-G.
Other names: c.60G>C, p.Lys20Asn (NM_001321309.2); c.588G>C, p.Lys196Asn (NM_053026.4, NM_053027.4, NM_053028.4); short protein forms K20N, K196N.
Identifiers: ClinVar variation 1346323 (VCV001346323.8), dbSNP rs2062768601, ClinGen allele CA354241532.